The following is an entry in ClinVar:

ClinVar aggregate classification (germline): Uncertain significance (1 of 4 stars; one submission).

Conditions:
Inborn genetic diseases. Identifiers: MedGen C0950123, MeSH D030342.

Submission:

Ambry Genetics
Classification: Uncertain significance for Inborn genetic diseases. Last evaluated: 2025-05-26. Review status: criteria provided, single submitter. Criteria: Ambry Variant Classification Scheme 2023. Collection method: clinical testing. Allele origin: germline.
Comment: The p.F1567L variant (also known as c.4699T>C), located in coding exon 1 of the SAMD9L gene, results from a T to C substitution at nucleotide position 4699. The phenylalanine at codon 1567 is replaced by leucine, an amino acid with highly similar properties. This amino acid position is conserved. In addition, the in silico prediction for this alteration is inconclusive. Based on the available evidence, the clinical significance of this variant remains unclear.

NM_152703.5(SAMD9L):c.4699T>C (p.Phe1567Leu)

Gene: SAMD9L (sterile alpha motif domain containing 9 like; minus strand). Cytogenetic location: 7q21.2.
Variant type: single nucleotide variant.
Coding change: c.4699T>C on transcript NM_152703.5 (MANE Select); coding-DNA position 4699, T replaced by C.
Protein change: p.Phe1567Leu; replaces phenylalanine 1567 with leucine.
Molecular consequence: missense variant.
Genome position (GRCh38, 1-based): chr7:93,131,273, A>G on the plus strand (T>C on the coding strand, the complement: SAMD9L is on the minus strand). VCF-style: chr7-93131273-A-G. GRCh37 (hg19) VCF-style: chr7-92760586-A-G.
Other names: c.4699T>C, p.Phe1567Leu (NM_001303496.3, NM_001303497.3, NM_001303498.3 and 5 more transcripts); short protein forms F1567L.
Identifiers: ClinVar variation 3949963 (VCV003949963.1).